The following is an entry in ClinVar:

NM_020433.5(JPH2):c.1851G>A (p.Glu617=)

Gene: JPH2 (junctophilin 2; minus strand). Cytogenetic location: 20q13.12.
Variant type: single nucleotide variant.
Coding change: c.1851G>A on transcript NM_020433.5 (MANE Select); coding-DNA position 1851, G replaced by A.
Protein change: p.Glu617=; no amino-acid change (glutamic acid 617 retained).
Molecular consequence: synonymous variant.
Genome position (GRCh38, 1-based): chr20:44,115,824, C>T on the plus strand (G>A on the coding strand, the complement: JPH2 is on the minus strand). VCF-style: chr20-44115824-C-T. GRCh37 (hg19) VCF-style: chr20-42744464-C-T.
Identifiers: ClinVar variation 1590185 (VCV001590185.39), dbSNP rs759468707, ClinGen allele CA9868587.

ClinVar aggregate classification (germline): Likely benign. Review status: criteria provided, multiple submitters, no conflicts (2 of 4 stars). 4 submissions from 4 submitters: Likely benign (4). Last evaluated 2025-11-18.

Conditions:
Cardiovascular phenotype. Identifiers: MedGen CN230736.
Hypertrophic cardiomyopathy. Also called: HYPERTROPHIC MYOCARDIOPATHY. Identifiers: Orphanet 217569, MedGen C0007194, MeSH D002312, MONDO:0005045, HP:0001639.

Allele frequency attached by ClinVar (database versions not stated): gnomAD 0.00002.
gnomAD v4.1: 36 of 1,601,728 alleles (0.0022%); highest among the groups gnomAD compares: Non-Finnish European, 0.003%; no homozygotes.

Submissions (4):

Labcorp Genetics (formerly Invitae), Labcorp
Classification: Likely benign for Hypertrophic cardiomyopathy. Last evaluated: 2025-11-18. Review status: criteria provided, single submitter. Criteria: Invitae Variant Classification Sherloc (09022015). Collection method: clinical testing. Allele origin: germline.

Molecular Diagnostic Laboratory for Inherited Cardiovascular Disease, Montreal Heart Institute
Classification: Likely benign. Last evaluated: 2025-04-09. Review status: criteria provided, single submitter. Criteria: ACMG Guidelines, 2015. Collection method: clinical testing. Allele origin: germline. Affected: no.

CeGaT Center for Human Genetics Tuebingen
Classification: Likely benign. Last evaluated: 2023-03-01. Review status: criteria provided, single submitter. Criteria: CeGaT Center For Human Genetics Tuebingen Variant Classification Criteria Version 2. Collection method: clinical testing. Allele origin: germline. Affected: yes. Observed: 1 variant allele.
Comment: JPH2: BP4, BP7

Ambry Genetics
Classification: Likely benign for Cardiovascular phenotype. Last evaluated: 2020-11-23. Review status: criteria provided, single submitter. Criteria: Ambry Variant Classification Scheme 2023. Collection method: clinical testing. Allele origin: germline.